The following is an entry in ClinVar:

ClinVar aggregate classification (germline): Uncertain significance. Review status: criteria provided, multiple submitters, no conflicts (2 of 4 stars). 4 submissions from 4 submitters: Uncertain significance (3). 1 of the submissions does not count toward it. Last evaluated 2023-10-24.

Conditions:
Alport syndrome. Also called: Hemorrhagic familial nephritis; Hemorrhagic hereditary nephritis; Congenital hereditary hematuria. Identifiers: Orphanet 63, MedGen C1567741, MONDO:0018965.
Autosomal dominant Alport syndrome (ATS3A). Also called: Alport syndrome dominant type; Renal failure and sensorineural hearing loss; ALPORT SYNDROME 3A, AUTOSOMAL DOMINANT. Identifiers: Orphanet 63, Orphanet 88918, MedGen C5882663, MONDO:0007086, OMIM 104200.
Autosomal recessive Alport syndrome (ATS2). Also called: COL4A4 Alport Syndrome and Thin Basement Membrane Nephropathy; ALPORT SYNDROME 2, AUTOSOMAL RECESSIVE; Alport syndrome type 2; COL4A3-Related Nephropathy. Identifiers: Orphanet 63, Orphanet 88919, MedGen C4746745, MONDO:0008762, OMIM 203780.
Benign familial hematuria. Also called: thin basement membrane disease. Identifiers: MedGen C0241908, MONDO:0957317.

gnomAD v4.1: 33 of 1,611,948 alleles (0.002%); highest among the groups gnomAD compares: Admixed American, 0.0067%; no homozygotes.

Submissions (4):

Blueprint Genetics
Classification: Uncertain significance. Last evaluated: 2023-10-24. Review status: criteria provided, single submitter. Criteria: ACMG Guidelines, 2015. Collection method: clinical testing. Allele origin: germline.

Fulgent Genetics
Classification: Uncertain significance for Autosomal dominant Alport syndrome; Hematuria, benign familial, 1; Autosomal recessive Alport syndrome. Last evaluated: 2021-09-16. Review status: criteria provided, single submitter. Criteria: ACMG Guidelines, 2015. Collection method: clinical testing. Allele origin: unknown.

GeneDx
Classification: Uncertain significance. Last evaluated: 2021-06-04. Review status: criteria provided, single submitter. Criteria: GeneDx Variant Classification Process June 2021. Collection method: clinical testing. Allele origin: germline. Affected: yes.
Comment: In silico analysis supports that this missense variant has a deleterious effect on protein structure/function; Occurs in the triple helical domain at the Y position in the canonical Gly-X-Y repeat; although this variant may have an effect on normal protein folding and function, missense substitution at the Y position is not a common mechanism of disease; Has not been previously published as pathogenic or benign to our knowledge

Natera, Inc.
Classification: Uncertain significance for Alport syndrome. Last evaluated: 2020-01-24. Review status: no assertion criteria provided. Collection method: clinical testing. Allele origin: germline. Not counted in ClinVar's aggregate classification.

NM_000091.5(COL4A3):c.3200C>T (p.Pro1067Leu)

Genes: COL4A3 (collagen type IV alpha 3 chain; plus strand), MFF-DT (MFF divergent transcript; minus strand). Cytogenetic location: 2q36.3.
Variant type: single nucleotide variant.
Coding change: c.3200C>T on transcript NM_000091.5 (MANE Select); coding-DNA position 3200, C replaced by T.
Protein change: p.Pro1067Leu; replaces proline 1067 with leucine.
Molecular consequence: missense variant.
Genome position (GRCh38, 1-based): chr2:227,290,876, C>T. VCF-style: chr2-227290876-C-T. GRCh37 (hg19) VCF-style: chr2-228155592-C-T.
Other names: short protein forms P1067L.
Identifiers: ClinVar variation 1205473 (VCV001205473.6), dbSNP rs55849096, ClinGen allele CA2147132.